The following is an entry in ClinVar:

ClinVar aggregate classification (germline): Likely benign. Review status: criteria provided, multiple submitters, no conflicts (2 of 4 stars). 3 submissions from 3 submitters: Likely benign (3). Last evaluated 2026-05-16.

Conditions:
CREB3L1-related disorder. Also called: CREB3L1-related condition.

Submissions (3):

PreventionGenetics, part of Exact Sciences
Classification: Likely benign for CREB3L1-related condition. Last evaluated: 2026-05-16. Review status: criteria provided, single submitter. Criteria: ACMG Guidelines, 2015. Collection method: clinical testing. Allele origin: germline.
Comment: This variant is classified as likely benign based on ACMG/AMP sequence variant interpretation guidelines (Richards et al. 2015 PMID: 25741868, with internal and published modifications).

Women's Health and Genetics/Laboratory Corporation of America, LabCorp
Classification: Likely benign. Last evaluated: 2025-11-03. Review status: criteria provided, single submitter. Criteria: LabCorp Variant Classification Summary - May 2015. Collection method: clinical testing. Allele origin: germline.

Labcorp Genetics (formerly Invitae), Labcorp
Classification: Likely benign. Last evaluated: 2024-10-26. Review status: criteria provided, single submitter. Criteria: Invitae Variant Classification Sherloc (09022015). Collection method: clinical testing. Allele origin: germline.

NM_052854.4(CREB3L1):c.1473A>G (p.Gly491=)

Gene: CREB3L1 (cAMP responsive element binding protein 3 like 1; plus strand). Cytogenetic location: 11p11.2.
Variant type: single nucleotide variant.
Coding change: c.1473A>G on transcript NM_052854.4 (MANE Select); coding-DNA position 1473, A replaced by G.
Protein change: p.Gly491=; no amino-acid change (glycine 491 retained).
Molecular consequence: synonymous variant. On other transcripts: non-coding transcript variant (1).
Genome position (GRCh38, 1-based): chr11:46,320,478, A>G. VCF-style: chr11-46320478-A-G. GRCh37 (hg19) VCF-style: chr11-46342029-A-G.
Other names: c.1473A>G, p.Gly491= (NM_001425266.1); c.1467A>G, p.Gly489= (NM_001425267.1); c.1335A>G, p.Gly445= (NM_001425268.1); c.1209A>G, p.Gly403= (NM_001425269.1); c.1473A>G (NM_052854.3).
Identifiers: ClinVar variation 3718363 (VCV003718363.4).